The following is an entry in ClinVar:

NM_206937.2(LIG4):c.1891G>A (p.Ala631Thr)

Gene: LIG4 (DNA ligase 4; minus strand). Cytogenetic location: 13q33.3.
Variant type: single nucleotide variant.
Coding change: c.1891G>A on transcript NM_206937.2 (MANE Select); coding-DNA position 1891, G replaced by A.
Protein change: p.Ala631Thr; replaces alanine 631 with threonine.
Molecular consequence: missense variant.
Genome position (GRCh38, 1-based): chr13:108,209,378, C>T on the plus strand (G>A on the coding strand, the complement: LIG4 is on the minus strand). VCF-style: chr13-108209378-C-T. GRCh37 (hg19) VCF-style: chr13-108861726-C-T.
Other names: c.1891G>A, p.Ala631Thr (NM_001098268.2, NM_001352598.2, NM_001352599.2 and 6 more transcripts); c.1690G>A, p.Ala564Thr (NM_001330595.2); c.1927G>A, p.Ala643Thr (NM_001352604.2); short protein forms A643T, A564T, A631T.
Identifiers: ClinVar variation 798209 (VCV000798209.13), dbSNP rs200385778, ClinGen allele CA7043596.
Genomic context (GRCh38, chr13:108,209,378, plus strand): 5'-TAGTAAGGTTAGGTGCTTTTAAGTGCTCAATAATTCCAATAACTTTCTTCATCTTTGGGG[C>T]AGCTTTCCGCTTTTTTTCTTGTGGTTCATCATCACCACCTATATAAAGGTGTTTAGATGC-3'
Protein context (NP_996820.1, residues 621-641): DEPQEKKRKA[Ala631Thr]PKMKKVIGII

ClinVar aggregate classification (germline): Likely benign. Review status: criteria provided, multiple submitters, no conflicts (2 of 4 stars). 3 submissions from 3 submitters: Likely benign (3). Last evaluated 2026-01-24.

Conditions:
DNA ligase IV deficiency. Identifiers: Orphanet 99812, MedGen C1847827, MONDO:0011686, OMIM 606593.
LIG4-related disorder. Also called: LIG4-related condition; LIG4-related disorders. Identifiers: MedGen CN239380.

Allele frequency attached by ClinVar (database versions not stated): gnomAD exomes 0.00004 and 0.00018; ESP Exome Variant Server 0.00008; gnomAD 0.00010 and 0.00012; TOPMed 0.00013; ExAC 0.00015; 1000 Genomes Project 30x 0.00016; 1000 Genomes Project 0.00020.
gnomAD v4.1: 84 of 1,614,120 alleles (0.0052%); highest among the groups gnomAD compares: East Asian, 0.13%; no homozygotes.

Submissions (3):

PreventionGenetics, part of Exact Sciences
Classification: Likely benign for LIG4-related condition. Last evaluated: 2026-01-24. Review status: criteria provided, single submitter. Criteria: ACMG Guidelines, 2015. Collection method: clinical testing. Allele origin: germline.
Comment: This variant is classified as likely benign based on ACMG/AMP sequence variant interpretation guidelines (Richards et al. 2015 PMID: 25741868, with internal and published modifications).

Labcorp Genetics (formerly Invitae), Labcorp
Classification: Likely benign for DNA ligase IV deficiency. Last evaluated: 2026-01-13. Review status: criteria provided, single submitter. Criteria: Invitae Variant Classification Sherloc (09022015). Collection method: clinical testing. Allele origin: germline.

Blueprint Genetics
Classification: Likely benign. Last evaluated: 2023-08-11. Review status: criteria provided, single submitter. Criteria: ACMG Guidelines, 2015. Collection method: clinical testing. Allele origin: germline.